The following is an entry in ClinVar:

ClinVar aggregate classification (germline): Uncertain significance (1 of 4 stars; one submission).

Conditions:
Neurodegeneration with brain iron accumulation 6 (NBIA6). Also called: COASY protein-associated neurodegeneration. Identifiers: Orphanet 397725, MedGen C4517377, MONDO:0014290, OMIM 615643.

Submission:

Labcorp Genetics (formerly Invitae), Labcorp
Classification: Uncertain significance for Neurodegeneration with brain iron accumulation 6. Last evaluated: 2021-09-01. Review status: criteria provided, single submitter. Criteria: Invitae Variant Classification Sherloc (09022015). Collection method: clinical testing. Allele origin: germline.
Comment: This variant occurs in a non-coding region of the COASY gene. It does not change the encoded amino acid sequence of the COASY protein. This variant is not present in population databases (ExAC no frequency). This variant has not been reported in the literature in individuals affected with COASY-related conditions. ClinVar contains an entry for this variant (Variation ID: 541699). Experimental studies and prediction algorithms are not available or were not evaluated, and the functional significance of this variant is currently unknown. In summary, the available evidence is currently insufficient to determine the role of this variant in disease. Therefore, it has been classified as a Variant of Uncertain Significance.

NM_025233.7(COASY):c.*2_*3del (p.Ter565=)

Gene: COASY (Coenzyme A synthase; plus strand). Cytogenetic location: 17q21.2.
Variant type: Deletion.
Coding change: c.*2_*3del on transcript NM_025233.7 (MANE Select); 2 bases downstream of the stop codon through 3 bases downstream of the stop codon, 2 bases deleted (AA; older notation c.*2_*3delAA).
Protein change: p.Ter565=.
Molecular consequence: no sequence alteration.
Genome position (GRCh38, 1-based): chr17:42,565,970-42,565,971, AA deleted; deleting any 2 consecutive bases within chr17:42,565,968-42,565,971 gives the same sequence; the c. name uses the placement nearest the transcript's 3' end. VCF-style (leftmost placement, unchanged base first): chr17-42565967-GAA-G. GRCh37 (hg19) VCF-style: chr17-40717985-GAA-G.
Other names: c.*2_*3del, p.Ter565= (NM_001042529.3); c.*2_*3del, p.Ter594= (NM_001042532.4).
Identifiers: ClinVar variation 541699 (VCV000541699.6), dbSNP rs1555625395, ClinGen allele CA658798834.